The following is an entry in ClinVar:

ClinVar aggregate classification (germline): Uncertain significance (1 of 4 stars; one submission).

Allele frequency attached by ClinVar (database versions not stated): TOPMed below 0.00001.

Submission:

Ambry Genetics
Classification: Uncertain significance. Last evaluated: 2023-06-05. Review status: criteria provided, single submitter. Criteria: Ambry Variant Classification Scheme 2023. Collection method: clinical testing. Allele origin: germline.
Comment: The p.T113M variant (also known as c.338C>T), located in coding exon 6 of the NPAT gene, results from a C to T substitution at nucleotide position 338. The threonine at codon 113 is replaced by methionine, an amino acid with similar properties. This amino acid position is conserved. In addition, the in silico prediction for this alteration is inconclusive. Since supporting evidence is limited at this time, the clinical significance of this alteration remains unclear.

NM_002519.3(NPAT):c.338C>T (p.Thr113Met)

Gene: NPAT (nuclear protein, coactivator of histone transcription; minus strand). Cytogenetic location: 11q22.3.
Variant type: single nucleotide variant.
Coding change: c.338C>T on transcript NM_002519.3 (MANE Select); coding-DNA position 338, C replaced by T.
Protein change: p.Thr113Met; replaces threonine 113 with methionine.
Molecular consequence: missense variant.
Genome position (GRCh38, 1-based): chr11:108,189,324, G>A on the plus strand (C>T on the coding strand, the complement: NPAT is on the minus strand). VCF-style: chr11-108189324-G-A. GRCh37 (hg19) VCF-style: chr11-108060051-G-A.
Other names: c.338C>T, p.Thr113Met (NM_001321307.1); short protein forms T113M.
Identifiers: ClinVar variation 2562554 (VCV002562554.2), dbSNP rs1591402004, ClinGen allele CA382525551.